The following is an entry in ClinVar:

NM_001386298.1(CIC):c.3725G>C (p.Ser1242Thr)

Gene: CIC (capicua transcriptional repressor; plus strand). Cytogenetic location: 19q13.2.
Variant type: single nucleotide variant.
Coding change: c.3725G>C on transcript NM_001386298.1 (MANE Select); coding-DNA position 3725, G replaced by C.
Protein change: p.Ser1242Thr; replaces serine 1242 with threonine.
Molecular consequence: missense variant.
Genome position (GRCh38, 1-based): chr19:42,288,954, G>C. VCF-style: chr19-42288954-G-C. GRCh37 (hg19) VCF-style: chr19-42793106-G-C.
Other names: c.3725G>C, p.Ser1242Thr (NM_001304815.2, NM_001379480.1, NM_001379482.1); c.998G>C, p.Ser333Thr (NM_001379484.1, NM_001379485.1, NM_015125.5); short protein forms S1242T, S333T.
Identifiers: ClinVar variation 3349647 (VCV003349647.1).

ClinVar aggregate classification (germline): Uncertain significance (0 of 4 stars; one submission).

Conditions:
CIC-related disorder. Also called: CIC-related condition.

gnomAD v4.1: 1 of 1,614,110 alleles (0.000062%); no homozygotes.

Submission:

PreventionGenetics, part of Exact Sciences
Classification: Uncertain significance for CIC-related condition. Last evaluated: 2024-03-23. Review status: no assertion criteria provided. Collection method: clinical testing. Allele origin: germline.
Comment: The CIC c.998G>C variant is predicted to result in the amino acid substitution p.Ser333Thr. To our knowledge, this variant has not been reported in the literature or in a large population database, indicating this variant is rare. At this time, the clinical significance of this variant is uncertain due to the absence of conclusive functional and genetic evidence.